The following is an entry in ClinVar:

NM_001042492.3(NF1):c.1527+3A>C

Gene: NF1 (neurofibromin 1; plus strand). Cytogenetic location: 17q11.2.
Variant type: single nucleotide variant.
Coding change: c.1527+3A>C on transcript NM_001042492.3 (MANE Select); 3 bases into the intron after coding-DNA position 1527, A replaced by C.
Molecular consequence: intron variant.
Genome position (GRCh38, 1-based): chr17:31,214,588, A>C. VCF-style: chr17-31214588-A-C. GRCh37 (hg19) VCF-style: chr17-29541606-A-C.
Other names: c.1527+3A>C (NM_000267.4, NM_001128147.3).
Identifiers: ClinVar variation 844804 (VCV000844804.6), dbSNP rs2066788106, ClinGen allele CA916080569.

ClinVar aggregate classification (germline): Uncertain significance (1 of 4 stars; one submission).

Conditions:
Neurofibromatosis, type 1 (NF1). Also called: Peripheral type neurofibromatosis; VON RECKLINGHAUSEN DISEASE; Neurofibromatosis, type I; NEUROFIBROMATOSIS, TYPE I, SOMATIC. Identifiers: Orphanet 636, MedGen C0027831, MONDO:0018975, OMIM 162200. Disease mechanism: loss of function.

Submission:

Labcorp Genetics (formerly Invitae), Labcorp
Classification: Uncertain significance for Neurofibromatosis, type 1. Last evaluated: 2024-07-19. Review status: criteria provided, single submitter. Criteria: Invitae Variant Classification Sherloc (09022015). Collection method: clinical testing. Allele origin: germline.
Comment: This sequence change falls in intron 13 of the NF1 gene. It does not directly change the encoded amino acid sequence of the NF1 protein. It affects a nucleotide within the consensus splice site. This variant is not present in population databases (gnomAD no frequency). This variant has not been reported in the literature in individuals affected with NF1-related conditions. ClinVar contains an entry for this variant (Variation ID: 844804). Variants that disrupt the consensus splice site are a relatively common cause of aberrant splicing (PMID: 17576681, 9536098). Algorithms developed to predict the effect of sequence changes on RNA splicing suggest that this variant may disrupt the consensus splice site. In summary, the available evidence is currently insufficient to determine the role of this variant in disease. Therefore, it has been classified as a Variant of Uncertain Significance.

Literature cited by the submitters: PubMed 17576681; PubMed 9536098.